The following is an entry in ClinVar:

NM_001267550.2(TTN):c.100117G>A (p.Gly33373Ser)

Genes: TTN (titin; minus strand), TTN-AS1 (TTN antisense RNA 1; plus strand), LOC126806420 (BRD4-independent group 4 enhancer GRCh37_chr2:179401104-179402303; plus strand). Cytogenetic location: 2q31.2.
Variant type: single nucleotide variant.
Coding change: c.100117G>A on transcript NM_001267550.2 (MANE Select); coding-DNA position 100117, G replaced by A.
Protein change: p.Gly33373Ser; replaces glycine 33373 with serine.
Molecular consequence: missense variant.
Genome position (GRCh38, 1-based): chr2:178,536,992, C>T on the plus strand (G>A on the coding strand, the complement: TTN is on the minus strand). VCF-style: chr2-178536992-C-T. GRCh37 (hg19) VCF-style: chr2-179401719-C-T.
Other names: c.95194G>A, p.Gly31732Ser (NM_001256850.1); c.72922G>A, p.Gly24308Ser (NM_003319.4); c.92413G>A, p.Gly30805Ser (NM_133378.4); c.73297G>A, p.Gly24433Ser (NM_133432.3); c.73498G>A, p.Gly24500Ser (NM_133437.4); short protein forms G33373S, G24308S, G30805S, G24433S, G24500S, G31732S.
Identifiers: ClinVar variation 405132 (VCV000405132.7), dbSNP rs55880786, ClinGen allele CA1986078.

ClinVar aggregate classification (germline): Uncertain significance. Review status: criteria provided, multiple submitters, no conflicts (2 of 4 stars). 4 submissions from 4 submitters: Uncertain significance (4). Last evaluated 2026-05-28.

Conditions:
TTN-related disorder. Also called: TTN-related disorders; TTN-related condition; TTN-related disease.
Autosomal recessive limb-girdle muscular dystrophy type 2J (LGMDR10). Also called: Limb-girdle muscular dystrophy, type 2J; MUSCULAR DYSTROPHY, LIMB-GIRDLE, AUTOSOMAL RECESSIVE 10. Identifiers: Orphanet 140922, MedGen C1837342, MONDO:0012127, OMIM 608807.
Dilated cardiomyopathy 1G (CMD1G). Identifiers: Orphanet 154, MedGen C1858763, MONDO:0011400, OMIM 604145.
Cardiovascular phenotype. Identifiers: MedGen CN230736.
Early-onset myopathy with fatal cardiomyopathy (CMYO5). Also called: Salih Myopathy; CONGENITAL MYOPATHY 5 WITH CARDIOMYOPATHY. Identifiers: Orphanet 289377, MedGen C2673677, MONDO:0012714, OMIM 611705. Disease mechanism: loss of function.
Hypertrophic cardiomyopathy 9. Also called: Familial hypertrophic cardiomyopathy 9. Identifiers: MedGen C1861065, MONDO:0013412, OMIM 613765.
Myopathy, myofibrillar, 9, with early respiratory failure (MFM9). Also called: Hereditary myopathy with early respiratory failure; MYOPATHY, PROXIMAL, WITH EARLY RESPIRATORY MUSCLE INVOLVEMENT; EDSTROM MYOPATHY; Myopathy, distal, with early respiratory failure, autosomal dominant. Identifiers: Orphanet 178464, Orphanet 34521, MedGen C1863599, MONDO:0011362, OMIM 603689.
Tibial muscular dystrophy (TMD). Also called: UDD MYOPATHY; Tibial muscular dystrophy, tardive; Udd Distal Myopathy – Tibial Muscular Dystrophy. Identifiers: Orphanet 609, MedGen C1838244, MONDO:0010870, OMIM 600334.

Allele frequency attached by ClinVar (database versions not stated): gnomAD 0.00002; gnomAD exomes 0.00002 and 0.00003; TOPMed 0.00002; ExAC 0.00004; ESP Exome Variant Server 0.00008.
gnomAD v4.1: 38 of 1,613,230 alleles (0.0024%); highest among the groups gnomAD compares: Middle Eastern, 0.083%; no homozygotes.

Submissions (4):

PreventionGenetics, part of Exact Sciences
Classification: Uncertain significance for TTN-related condition. Last evaluated: 2026-05-28. Review status: criteria provided, single submitter. Criteria: ACMG Guidelines, 2015. Collection method: clinical testing. Allele origin: germline.
Comment: The TTN c.100117G>A variant is predicted to result in the amino acid substitution p.Gly33373Ser. To our knowledge, this variant has not been reported in the literature in individuals with TTN-related disorders. This variant is reported in 0.0099% of alleles in individuals of South Asian descent in gnomAD. At this time, the clinical significance of this variant is uncertain due to the absence of conclusive functional and genetic evidence.

Fulgent Genetics
Classification: Uncertain significance for Tibial muscular dystrophy; Myopathy, myofibrillar, 9, with early respiratory failure; Dilated cardiomyopathy 1G; Autosomal recessive limb-girdle muscular dystrophy type 2J; Early-onset myopathy with fatal cardiomyopathy; Hypertrophic cardiomyopathy 9. Last evaluated: 2021-08-09. Review status: criteria provided, single submitter. Criteria: ACMG Guidelines, 2015. Collection method: clinical testing. Allele origin: unknown.

Ambry Genetics
Classification: Uncertain significance for Cardiovascular phenotype. Last evaluated: 2019-08-12. Review status: criteria provided, single submitter. Criteria: Ambry Variant Classification Scheme 2023. Collection method: clinical testing. Allele origin: germline.
Comment: The p.G24308S variant (also known as c.72922G>A), located in coding exon 183 of the TTN gene, results from a G to A substitution at nucleotide position 72922. The glycine at codon 24308 is replaced by serine, an amino acid with similar properties. This amino acid position is highly conserved in available vertebrate species. In addition, the in silico prediction for this alteration is inconclusive. Since supporting evidence is limited at this time, the clinical significance of this alteration remains unclear.

Labcorp Genetics (formerly Invitae), Labcorp
Classification: Uncertain significance for Dilated cardiomyopathy 1G; Autosomal recessive limb-girdle muscular dystrophy type 2J. Last evaluated: 2017-05-02. Review status: criteria provided, single submitter. Criteria: Invitae Variant Classification Sherloc (09022015). Collection method: clinical testing. Allele origin: germline.

Literature cited by the submitters: PubMed 17344846 (cited by Ambry Genetics).